The following is an entry in ClinVar:

ClinVar aggregate classification (germline): Likely benign (0 of 4 stars; one submission).

Conditions:
ZBTB11-related disorder. Also called: ZBTB11-related condition.

Allele frequency attached by ClinVar (database versions not stated): ExAC 0.00058; 1000 Genomes Project 0.00060; 1000 Genomes Project 30x 0.00078; ESP Exome Variant Server 0.00246.
gnomAD v4.1: 529 of 1,614,126 alleles (0.033%); highest among the groups gnomAD compares: African/African-American, 0.6%; 6 homozygotes.

Submission:

PreventionGenetics, part of Exact Sciences
Classification: Likely benign for ZBTB11-related condition. Last evaluated: 2019-11-25. Review status: no assertion criteria provided. Collection method: clinical testing. Allele origin: germline.
Comment: This variant is classified as likely benign based on ACMG/AMP sequence variant interpretation guidelines (Richards et al. 2015 PMID: 25741868, with internal and published modifications).

NM_014415.4(ZBTB11):c.1145G>A (p.Arg382Gln)

Gene: ZBTB11 (zinc finger and BTB domain containing 11; minus strand). Cytogenetic location: 3q12.3.
Variant type: single nucleotide variant.
Coding change: c.1145G>A on transcript NM_014415.4 (MANE Select); coding-DNA position 1145, G replaced by A.
Protein change: p.Arg382Gln; replaces arginine 382 with glutamine.
Molecular consequence: missense variant.
Genome position (GRCh38, 1-based): chr3:101,665,442, C>T on the plus strand (G>A on the coding strand, the complement: ZBTB11 is on the minus strand). VCF-style: chr3-101665442-C-T. GRCh37 (hg19) VCF-style: chr3-101384286-C-T.
Other names: short protein forms R382Q.
Identifiers: ClinVar variation 3041119 (VCV003041119.2), dbSNP rs9811237, ClinGen allele CA2521241.